The following is an entry in ClinVar:

NM_002941.4(ROBO1):c.1832C>A (p.Ala611Glu)

Gene: ROBO1 (roundabout guidance receptor 1; minus strand). Cytogenetic location: 3p12.3.
Variant type: single nucleotide variant.
Coding change: c.1832C>A on transcript NM_002941.4 (MANE Select); coding-DNA position 1832, C replaced by A.
Protein change: p.Ala611Glu; replaces alanine 611 with glutamic acid.
Molecular consequence: missense variant.
Genome position (GRCh38, 1-based): chr3:78,668,017, G>T on the plus strand (C>A on the coding strand, the complement: ROBO1 is on the minus strand). VCF-style: chr3-78668017-G-T. GRCh37 (hg19) VCF-style: chr3-78717167-G-T.
Other names: c.1724C>A, p.Ala575Glu (NM_001145844.1, NM_001145845.2, NM_133631.4); short protein forms A575E, A611E.
Identifiers: ClinVar variation 2577380 (VCV002577380.1), dbSNP rs1159403574, ClinGen allele CA353668516.

ClinVar aggregate classification (germline): Uncertain significance (1 of 4 stars; one submission).

Allele frequency attached by ClinVar (database versions not stated): gnomAD 0.00001; gnomAD exomes 0.00001.
gnomAD v4.1: 11 of 1,613,466 alleles (0.00068%); highest among the groups gnomAD compares: African/African-American, 0.004%; no homozygotes.

Submission:

Women's Health and Genetics/Laboratory Corporation of America, LabCorp
Classification: Uncertain significance. Last evaluated: 2023-07-20. Review status: criteria provided, single submitter. Criteria: LabCorp Variant Classification Summary - May 2015. Collection method: clinical testing. Allele origin: germline.
Comment: Variant summary: ROBO1 c.1832C>A (p.Ala611Glu) results in a non-conservative amino acid change located in the Fibronectin type III domain (IPR003961) of the encoded protein sequence. Four of five in-silico tools predict a damaging effect of the variant on protein function. The variant was absent in 248282 control chromosomes (gnomAD). The available data on variant occurrences in the general population are insufficient to allow any conclusion about variant significance. To our knowledge, no occurrence of c.1832C>A in individuals affected with ROBO1-Related Disorders and no experimental evidence demonstrating its impact on protein function have been reported. No submitters have cited clinical-significance assessments for this variant to ClinVar after 2014. Based on the evidence outlined above, the variant was classified as uncertain significance.